The following is an entry in ClinVar:

ClinVar aggregate classification (germline): Likely pathogenic (1 of 4 stars; one submission).

Conditions:
Intellectual developmental disorder, autosomal dominant 39. Also called: Mental retardation, autosomal dominant 39; Intellectual disability, autosomal dominant 39. Identifiers: MedGen C4225296, MONDO:0014678, OMIM 616521.

Allele frequency attached by ClinVar (database versions not stated): gnomAD exomes below 0.00001.
gnomAD v4.1: 1 of 1,613,346 alleles (0.000062%); highest among the groups gnomAD compares: Non-Finnish European, 0.000085%; no homozygotes.

Submission:

Greenwood Genetic Center Diagnostic Laboratories, Greenwood Genetic Center
Classification: Likely pathogenic for Intellectual developmental disorder, autosomal dominant 39. Last evaluated: 2022-05-26. Review status: criteria provided, single submitter. Criteria: ACMG Guidelines, 2015. Collection method: clinical testing. Allele origin: germline. Affected: yes.
Comment: PM1, PM2, PM5, PP2, PP3

NM_001303052.2(MYT1L):c.1543G>A (p.Gly515Ser)

Gene: MYT1L (myelin transcription factor 1 like; minus strand). Cytogenetic location: 2p25.3.
Variant type: single nucleotide variant.
Coding change: c.1543G>A on transcript NM_001303052.2 (MANE Select); coding-DNA position 1543, G replaced by A.
Protein change: p.Gly515Ser; replaces glycine 515 with serine.
Molecular consequence: missense variant.
Genome position (GRCh38, 1-based): chr2:1,917,280, C>T on the plus strand (G>A on the coding strand, the complement: MYT1L is on the minus strand). VCF-style: chr2-1917280-C-T. GRCh37 (hg19) VCF-style: chr2-1921052-C-T.
Other names: c.1543G>A, p.Gly515Ser (NM_001329844.2, NM_001329845.1, NM_001329851.3); c.1537G>A, p.Gly513Ser (NM_001329846.3, NM_001329847.2, NM_001329848.1 and 3 more transcripts); short protein forms G513S, G515S.
Identifiers: ClinVar variation 1703070 (VCV001703070.3), dbSNP rs2550898220, ClinGen allele CA345702031.